The following is an entry in ClinVar:

NM_000155.4(GALT):c.40G>A (p.Ala14Thr)

Gene: GALT (galactose-1-phosphate uridylyltransferase; plus strand). Cytogenetic location: 9p13.3.
Variant type: single nucleotide variant.
Coding change: c.40G>A on transcript NM_000155.4 (MANE Select); coding-DNA position 40, G replaced by A.
Protein change: p.Ala14Thr; replaces alanine 14 with threonine.
Molecular consequence: missense variant. On other transcripts: 5 prime UTR variant (1).
Genome position (GRCh38, 1-based): chr9:34,646,744, G>A. VCF-style: chr9-34646744-G-A. GRCh37 (hg19) VCF-style: chr9-34646741-G-A.
Other names: c.-163G>A (NM_001258332.2); short protein forms A14T.
Identifiers: ClinVar variation 2421820 (VCV002421820.7), dbSNP rs750690794, ClinGen allele CA5035992.

ClinVar aggregate classification (germline): Uncertain significance (1 of 4 stars; one submission).

Conditions:
Deficiency of UDPglucose-hexose-1-phosphate uridylyltransferase. Also called: GALT deficiency; Galactosemia, classic; GALACTOSEMIA I; GALACTOSE-1-PHOSPHATE URIDYLYLTRANSFERASE DEFICIENCY; Transferase Deficiency Galactosemia. Identifiers: Orphanet 352, Orphanet 79239, MedGen C0268151, MONDO:0009258, OMIM 230400.

Allele frequency attached by ClinVar (database versions not stated): gnomAD exomes 0.00001; ExAC 0.00006.

Submission:

Labcorp Genetics (formerly Invitae), Labcorp
Classification: Uncertain significance for Deficiency of UDPglucose-hexose-1-phosphate uridylyltransferase. Last evaluated: 2022-02-21. Review status: criteria provided, single submitter. Criteria: Invitae Variant Classification Sherloc (09022015). Collection method: clinical testing. Allele origin: germline.
Comment: In summary, the available evidence is currently insufficient to determine the role of this variant in disease. Therefore, it has been classified as a Variant of Uncertain Significance. Advanced modeling of protein sequence and biophysical properties (such as structural, functional, and spatial information, amino acid conservation, physicochemical variation, residue mobility, and thermodynamic stability) performed at Invitae indicates that this missense variant is expected to disrupt GALT protein function. This variant has not been reported in the literature in individuals affected with GALT-related conditions. This variant is present in population databases (rs750690794, gnomAD 0.02%). This sequence change replaces alanine, which is neutral and non-polar, with threonine, which is neutral and polar, at codon 14 of the GALT protein (p.Ala14Thr).